The following is an entry in ClinVar:

NM_004371.4(COPA):c.790A>G (p.Ile264Val)

Gene: COPA (coat protein complex I subunit alpha; minus strand). Cytogenetic location: 1q23.2.
Variant type: single nucleotide variant.
Coding change: c.790A>G on transcript NM_004371.4 (MANE Select); coding-DNA position 790, A replaced by G.
Protein change: p.Ile264Val; replaces isoleucine 264 with valine.
Molecular consequence: missense variant.
Genome position (GRCh38, 1-based): chr1:160,314,042, T>C on the plus strand (A>G on the coding strand, the complement: COPA is on the minus strand). VCF-style: chr1-160314042-T-C. GRCh37 (hg19) VCF-style: chr1-160283832-T-C.
Other names: c.790A>G, p.Ile264Val (NM_001098398.2); short protein forms I264V.
Identifiers: ClinVar variation 1009634 (VCV001009634.8), dbSNP rs1659059803, ClinGen allele CA343264012.

ClinVar aggregate classification (germline): Uncertain significance (1 of 4 stars; one submission).

Conditions:
Autoimmune interstitial lung disease-arthritis syndrome. Also called: Autoinflammation and autoimmunity, systemic, with immune dysregulation. Identifiers: Orphanet 444092, MedGen C5975714, MONDO:0014629.

Submission:

Labcorp Genetics (formerly Invitae), Labcorp
Classification: Uncertain significance for Autoimmune interstitial lung disease-arthritis syndrome. Last evaluated: 2022-03-03. Review status: criteria provided, single submitter. Criteria: Invitae Variant Classification Sherloc (09022015). Collection method: clinical testing. Allele origin: germline.
Comment: ClinVar contains an entry for this variant (Variation ID: 1009634). This variant has not been reported in the literature in individuals affected with COPA-related conditions. This variant is not present in population databases (gnomAD no frequency). This sequence change replaces isoleucine, which is neutral and non-polar, with valine, which is neutral and non-polar, at codon 264 of the COPA protein (p.Ile264Val). Advanced modeling of protein sequence and biophysical properties (such as structural, functional, and spatial information, amino acid conservation, physicochemical variation, residue mobility, and thermodynamic stability) performed at Invitae indicates that this missense variant is not expected to disrupt COPA protein function. In summary, the available evidence is currently insufficient to determine the role of this variant in disease. Therefore, it has been classified as a Variant of Uncertain Significance.